The following is an entry in ClinVar:

NM_003467.3(CXCR4):c.400C>T (p.Arg134Cys)

Gene: CXCR4 (C-X-C motif chemokine receptor 4; minus strand). Cytogenetic location: 2q22.1.
Variant type: single nucleotide variant.
Coding change: c.400C>T on transcript NM_003467.3 (MANE Select); coding-DNA position 400, C replaced by T.
Protein change: p.Arg134Cys; replaces arginine 134 with cysteine.
Molecular consequence: missense variant.
Genome position (GRCh38, 1-based): chr2:136,115,528, G>A on the plus strand (C>T on the coding strand, the complement: CXCR4 is on the minus strand). VCF-style: chr2-136115528-G-A. GRCh37 (hg19) VCF-style: chr2-136873098-G-A.
Other names: c.412C>T, p.Arg138Cys (NM_001008540.2); c.613C>T, p.Arg205Cys (NM_001348056.2); c.499C>T, p.Arg167Cys (NM_001348059.2); c.355C>T, p.Arg119Cys (NM_001348060.2); short protein forms R134C, R138C, R167C, R205C, R119C.
Identifiers: ClinVar variation 3663442 (VCV003663442.3).

ClinVar aggregate classification (germline): Uncertain significance. Review status: criteria provided, multiple submitters, no conflicts (2 of 4 stars). 2 submissions from 2 submitters: Uncertain significance (2). Last evaluated 2024-08-27.

Conditions:
Warts, hypogammaglobulinemia, infections, and myelokathexis. Also called: WHIM syndrome. Identifiers: MedGen C0472817, MONDO:0023880.

Submissions (2):

Labcorp Genetics (formerly Invitae), Labcorp
Classification: Uncertain significance for Warts, hypogammaglobulinemia, infections, and myelokathexis. Last evaluated: 2024-08-27. Review status: criteria provided, single submitter. Criteria: Invitae Variant Classification Sherloc (09022015). Collection method: clinical testing. Allele origin: germline.
Comment: This sequence change replaces arginine, which is basic and polar, with cysteine, which is neutral and slightly polar, at codon 134 of the CXCR4 protein (p.Arg134Cys). This variant is not present in population databases (gnomAD no frequency). This variant has not been reported in the literature in individuals affected with CXCR4-related conditions. An algorithm developed to predict the effect of missense changes on protein structure and function (PolyPhen-2) suggests that this variant is likely to be disruptive. In summary, the available evidence is currently insufficient to determine the role of this variant in disease. Therefore, it has been classified as a Variant of Uncertain Significance.

Blueprint Genetics
Classification: Uncertain significance. Last evaluated: 2021-06-17. Review status: criteria provided, single submitter. Criteria: ACMG Guidelines, 2015. Collection method: clinical testing. Allele origin: germline.